The following is an entry in ClinVar:

NM_001163435.3(TBCK):c.1377C>G (p.Ile459Met)

Gene: TBCK (TBC1 domain containing kinase; minus strand). Cytogenetic location: 4q24.
Variant type: single nucleotide variant.
Coding change: c.1377C>G on transcript NM_001163435.3 (MANE Select); coding-DNA position 1377, C replaced by G.
Protein change: p.Ile459Met; replaces isoleucine 459 with methionine.
Molecular consequence: missense variant.
Genome position (GRCh38, 1-based): chr4:106,235,341, G>C on the plus strand (C>G on the coding strand, the complement: TBCK is on the minus strand). VCF-style: chr4-106235341-G-C. GRCh37 (hg19) VCF-style: chr4-107156498-G-C.
Other names: c.1377C>G, p.Ile459Met (NM_001163436.4); c.1260C>G, p.Ile420Met (NM_001163437.3); c.861C>G, p.Ile287Met (NM_001290768.2); c.1188C>G, p.Ile396Met (NM_033115.5); c.1377C>G (NM_001163435.1); short protein forms I420M, I459M, I287M, I396M.
Identifiers: ClinVar variation 1382052 (VCV001382052.6), dbSNP rs755150208, ClinGen allele CA3035082.

ClinVar aggregate classification (germline): Uncertain significance. Review status: criteria provided, multiple submitters, no conflicts (2 of 4 stars). 2 submissions from 2 submitters: Uncertain significance (2). Last evaluated 2025-08-30.

Conditions:
Inborn genetic diseases. Identifiers: MedGen C0950123, MeSH D030342.

Allele frequency attached by ClinVar (database versions not stated): gnomAD exomes 0.00001; ExAC 0.00003; gnomAD 0.00011 and 0.00012; TOPMed 0.00012.

Submissions (2):

Ambry Genetics
Classification: Uncertain significance for Inborn genetic diseases. Last evaluated: 2025-08-30. Review status: criteria provided, single submitter. Criteria: Ambry Variant Classification Scheme 2023. Collection method: clinical testing. Allele origin: germline.

Labcorp Genetics (formerly Invitae), Labcorp
Classification: Uncertain significance. Last evaluated: 2022-06-13. Review status: criteria provided, single submitter. Criteria: Invitae Variant Classification Sherloc (09022015). Collection method: clinical testing. Allele origin: germline.
Comment: This sequence change replaces isoleucine, which is neutral and non-polar, with methionine, which is neutral and non-polar, at codon 459 of the TBCK protein (p.Ile459Met). This variant is present in population databases (rs755150208, gnomAD 0.02%). This variant has not been reported in the literature in individuals affected with TBCK-related conditions. Algorithms developed to predict the effect of missense changes on protein structure and function are either unavailable or do not agree on the potential impact of this missense change (SIFT: "Deleterious"; PolyPhen-2: "Benign"; Align-GVGD: "Class C0"). In summary, the available evidence is currently insufficient to determine the role of this variant in disease. Therefore, it has been classified as a Variant of Uncertain Significance.